The following is an entry in ClinVar:

ClinVar aggregate classification (germline): Likely pathogenic (1 of 4 stars; one submission).

Conditions:
HYPERHOMOCYSTEINEMIA, THROMBOTIC, CBS-RELATED. Identifiers: MedGen C3150344, OMIM 236200.

Submission:

Labcorp Genetics (formerly Invitae), Labcorp
Classification: Likely pathogenic for HYPERHOMOCYSTEINEMIA, THROMBOTIC, CBS-RELATED. Last evaluated: 2020-08-23. Review status: criteria provided, single submitter. Criteria: Invitae Variant Classification Sherloc (09022015). Collection method: clinical testing. Allele origin: germline.
Comment: In summary, the currently available evidence indicates that the variant is pathogenic, but additional data are needed to prove that conclusively. Therefore, this variant has been classified as Likely Pathogenic. Donor and acceptor splice site variants typically lead to a loss of protein function (PMID: 16199547), and loss-of-function variants in CBS are known to be pathogenic (PMID: 10338090, 12124992). This sequence change affects an acceptor splice site in intron 4 of the CBS gene. It is expected to disrupt RNA splicing and likely results in an absent or disrupted protein product. This variant is not present in population databases (ExAC no frequency). Disruption of this splice site has been observed in individual(s) with clinical features of homocystinuria due to cystathionine beta-synthase (CBS) deficiency (PMID: 11748855). Algorithms developed to predict the effect of sequence changes on RNA splicing suggest that this variant may disrupt the consensus splice site, but this prediction has not been confirmed by published transcriptional studies.

Literature cited by the submitters: PubMed 16199547; PubMed 10338090; PubMed 12124992; PubMed 11748855.

NM_000071.3(CBS):c.317-2A>G

Gene: CBS (cystathionine beta-synthase; minus strand). Cytogenetic location: 21q22.3.
Variant type: single nucleotide variant.
Coding change: c.317-2A>G on transcript NM_000071.3 (MANE Select); the canonical splice acceptor site of the intron before coding-DNA position 317, A replaced by G.
Molecular consequence: splice acceptor variant.
Genome position (GRCh38, 1-based): chr21:43,066,379, T>C on the plus strand (A>G on the coding strand, the complement: CBS is on the minus strand). VCF-style: chr21-43066379-T-C. GRCh37 (hg19) VCF-style: chr21-44486489-T-C.
Other names: c.317-2A>G (NM_001320298.2, NM_001178009.3, NM_001178008.3); c.2-2A>G (NM_001321072.1).
Identifiers: ClinVar variation 1067328 (VCV001067328.10), dbSNP rs2146395543, ClinGen allele CA410601970.